The following is an entry in ClinVar:

ClinVar aggregate classification (germline): Conflicting classifications of pathogenicity. Review status: criteria provided, conflicting classifications (1 of 4 stars). 6 submissions from 5 submitters: Uncertain significance (5); Likely benign (1). Last evaluated 2025-08-06.

Conditions:
Adams-Oliver syndrome 5 (AOS5). Identifiers: Orphanet 974, MedGen C4014970, MONDO:0014459, OMIM 616028.
Familial thoracic aortic aneurysm and aortic dissection (TAAD). Also called: Thoracic aortic aneurysms and dissections. Identifiers: Orphanet 91387, MedGen C4707243, MONDO:0019625.
Aortic valve disease 1 (AOVD1). Identifiers: MedGen C3887892, MONDO:0024523, OMIM 109730.

Allele frequency attached by ClinVar (database versions not stated): gnomAD 0.00002; gnomAD exomes 0.00002; TOPMed 0.00005.
gnomAD v4.1: 29 of 1,610,098 alleles (0.0018%); highest among the groups gnomAD compares: Admixed American, 0.0033%; no homozygotes.

Submissions (6):

Labcorp Genetics (formerly Invitae), Labcorp
Classification: Likely benign for Adams-Oliver syndrome 5. Last evaluated: 2025-08-06. Review status: criteria provided, single submitter. Criteria: Invitae Variant Classification Sherloc (09022015). Collection method: clinical testing. Allele origin: germline.

GeneDx
Classification: Uncertain significance. Last evaluated: 2025-04-21. Review status: criteria provided, single submitter. Criteria: GeneDx Variant Classification Process June 2021. Collection method: clinical testing. Allele origin: germline. Affected: yes.
Comment: Has not been previously published as pathogenic or benign to our knowledge; Not observed at significant frequency in large population cohorts (gnomAD); In silico analysis indicates that this missense variant does not alter protein structure/function

Women's Health and Genetics/Laboratory Corporation of America, LabCorp
Classification: Uncertain significance. Last evaluated: 2024-11-04. Review status: criteria provided, single submitter. Criteria: LabCorp Variant Classification Summary - May 2015. Collection method: clinical testing. Allele origin: germline.
Comment: Variant summary: NOTCH1 c.6749C>T (p.Ala2250Val) results in a non-conservative amino acid change in the encoded protein sequence. Three of five in-silico tools predict a damaging effect of the variant on protein function. The variant allele was found at a frequency of 2.1e-05 in 240684 control chromosomes. The available data on variant occurrences in the general population are insufficient to allow any conclusion about variant significance. To our knowledge, no occurrence of c.6749C>T in individuals affected with Aortic Valve Disease and no experimental evidence demonstrating its impact on protein function have been reported. ClinVar contains an entry for this variant (Variation ID: 1303057). Based on the evidence outlined above, the variant was classified as uncertain significance.

Ambry Genetics
Classification: Uncertain significance for Familial thoracic aortic aneurysm and aortic dissection. Last evaluated: 2023-07-13. Review status: criteria provided, single submitter. Criteria: Ambry Variant Classification Scheme 2023. Collection method: clinical testing. Allele origin: germline.
Comment: The p.A2250V variant (also known as c.6749C>T), located in coding exon 34 of the NOTCH1 gene, results from a C to T substitution at nucleotide position 6749. The alanine at codon 2250 is replaced by valine, an amino acid with similar properties. This amino acid position is not well conserved in available vertebrate species. In addition, this alteration is predicted to be tolerated by in silico analysis. Since supporting evidence is limited at this time, the clinical significance of this alteration remains unclear.

Genome-Nilou Lab
Classification: Uncertain significance for Adams-Oliver syndrome 5. Last evaluated: 2022-03-15. Review status: criteria provided, single submitter. Criteria: ACMG Guidelines, 2015. Collection method: clinical testing. Allele origin: germline. Affected: no.

Genome-Nilou Lab
Classification: Uncertain significance for Aortic valve disease 1. Last evaluated: 2022-03-15. Review status: criteria provided, single submitter. Criteria: ACMG Guidelines, 2015. Collection method: clinical testing. Allele origin: germline. Affected: no.

Literature cited by the submitters: PubMed 24943832 (cited by Women's Health and Genetics/Laboratory Corporation of America, LabCorp); PubMed 16614245 (cited by Women's Health and Genetics/Laboratory Corporation of America, LabCorp); PubMed 21670202 (cited by Women's Health and Genetics/Laboratory Corporation of America, LabCorp); PubMed 22210878 (cited by Women's Health and Genetics/Laboratory Corporation of America, LabCorp); PubMed 19635999 (cited by Women's Health and Genetics/Laboratory Corporation of America, LabCorp); PubMed 26837699 (cited by Women's Health and Genetics/Laboratory Corporation of America, LabCorp); PubMed 23086750 (cited by Women's Health and Genetics/Laboratory Corporation of America, LabCorp); PubMed 19245433 (cited by Women's Health and Genetics/Laboratory Corporation of America, LabCorp); PubMed 22077063 (cited by Women's Health and Genetics/Laboratory Corporation of America, LabCorp); PubMed 15472075 (cited by Women's Health and Genetics/Laboratory Corporation of America, LabCorp); PubMed 23734977 (cited by Women's Health and Genetics/Laboratory Corporation of America, LabCorp); PubMed 22858860 (cited by Women's Health and Genetics/Laboratory Corporation of America, LabCorp).

NM_017617.5(NOTCH1):c.6749C>T (p.Ala2250Val)

Gene: NOTCH1 (notch receptor 1; minus strand). Cytogenetic location: 9q34.3.
Variant type: single nucleotide variant.
Coding change: c.6749C>T on transcript NM_017617.5 (MANE Select); coding-DNA position 6749, C replaced by T.
Protein change: p.Ala2250Val; replaces alanine 2250 with valine.
Molecular consequence: missense variant.
Genome position (GRCh38, 1-based): chr9:136,496,990, G>A on the plus strand (C>T on the coding strand, the complement: NOTCH1 is on the minus strand). VCF-style: chr9-136496990-G-A. GRCh37 (hg19) VCF-style: chr9-139391442-G-A.
Other names: short protein forms A2250V.
Identifiers: ClinVar variation 1303057 (VCV001303057.15), dbSNP rs777809068, ClinGen allele CA5339829.